The following is an entry in ClinVar:

NM_000875.5(IGF1R):c.3275G>A (p.Arg1092Gln)

Gene: IGF1R (insulin like growth factor 1 receptor; plus strand). Cytogenetic location: 15q26.3.
Variant type: single nucleotide variant.
Coding change: c.3275G>A on transcript NM_000875.5 (MANE Select); coding-DNA position 3275, G replaced by A.
Protein change: p.Arg1092Gln; replaces arginine 1092 with glutamine.
Molecular consequence: missense variant.
Genome position (GRCh38, 1-based): chr15:98,935,404, G>A. VCF-style: chr15-98935404-G-A. GRCh37 (hg19) VCF-style: chr15-99478633-G-A.
Other names: c.3272G>A, p.Arg1091Gln (NM_001291858.2); short protein forms R1091Q, R1092Q.
Identifiers: ClinVar variation 4803751 (VCV004803751.1).

ClinVar aggregate classification (germline): Uncertain significance (1 of 4 stars; one submission).

gnomAD v4.1: 36 of 1,549,310 alleles (0.0023%); highest among the groups gnomAD compares: African/African-American, 0.0027%; no homozygotes.

Submission:

Labcorp Genetics (formerly Invitae), Labcorp
Classification: Uncertain significance. Last evaluated: 2025-03-10. Review status: criteria provided, single submitter. Criteria: Invitae Variant Classification Sherloc (09022015). Collection method: clinical testing. Allele origin: germline.
Comment: This sequence change replaces arginine, which is basic and polar, with glutamine, which is neutral and polar, at codon 1092 of the IGF1R protein (p.Arg1092Gln). This variant is not present in population databases (gnomAD no frequency). This variant has not been reported in the literature in individuals affected with IGF1R-related conditions. Invitae Evidence Modeling of protein sequence and biophysical properties (such as structural, functional, and spatial information, amino acid conservation, physicochemical variation, residue mobility, and thermodynamic stability) indicates that this missense variant is expected to disrupt IGF1R protein function with a positive predictive value of 80%. In summary, the available evidence is currently insufficient to determine the role of this variant in disease. Therefore, it has been classified as a Variant of Uncertain Significance.